The following is an entry in ClinVar:

ClinVar aggregate classification (germline): Uncertain significance. Review status: criteria provided, multiple submitters, no conflicts (2 of 4 stars). 4 submissions from 4 submitters: Uncertain significance (4). Last evaluated 2026-07-22.

Conditions:
CWC27-related disorder. Also called: CWC27-related condition.
Inborn genetic diseases. Identifiers: MedGen C0950123, MeSH D030342.

Allele frequency attached by ClinVar (database versions not stated): gnomAD 0.00007 and 0.00008; gnomAD exomes 0.00009 and 0.00015; ExAC 0.00016; TOPMed 0.00014.
gnomAD v4.1: 156 of 1,591,586 alleles (0.0098%); highest among the groups gnomAD compares: Middle Eastern, 0.11%; no homozygotes.

Submissions (4):

PreventionGenetics, part of Exact Sciences
Classification: Uncertain significance for CWC27-related condition. Last evaluated: 2026-07-22. Review status: criteria provided, single submitter. Criteria: ACMG Guidelines, 2015. Collection method: clinical testing. Allele origin: germline.
Comment: The CWC27 c.1412G>A variant is predicted to result in the amino acid substitution p.Arg471Lys. To our knowledge, this variant has not been reported in the literature. This variant is reported in 0.024% of alleles in individuals of Latino descent in gnomAD. At this time, the clinical significance of this variant is uncertain due to the absence of conclusive functional and genetic evidence.

Labcorp Genetics (formerly Invitae), Labcorp
Classification: Uncertain significance. Last evaluated: 2024-12-04. Review status: criteria provided, single submitter. Criteria: Invitae Variant Classification Sherloc (09022015). Collection method: clinical testing. Allele origin: germline.
Comment: This sequence change replaces arginine, which is basic and polar, with lysine, which is basic and polar, at codon 471 of the CWC27 protein (p.Arg471Lys). This variant is present in population databases (rs779259350, gnomAD 0.02%). This variant has not been reported in the literature in individuals affected with CWC27-related conditions. ClinVar contains an entry for this variant (Variation ID: 837915). An algorithm developed to predict the effect of missense changes on protein structure and function (PolyPhen-2) suggests that this variant¬†is likely to be tolerated. In summary, the available evidence is currently insufficient to determine the role of this variant in disease. Therefore, it has been classified as a Variant of Uncertain Significance.

Ambry Genetics
Classification: Uncertain significance for Inborn genetic diseases. Last evaluated: 2024-12-02. Review status: criteria provided, single submitter. Criteria: Ambry Variant Classification Scheme 2023. Collection method: clinical testing. Allele origin: germline.

Blueprint Genetics
Classification: Uncertain significance. Last evaluated: 2024-09-21. Review status: criteria provided, single submitter. Criteria: ACMG Guidelines, 2015. Collection method: clinical testing. Allele origin: germline.

NM_005869.4(CWC27):c.1412G>A (p.Arg471Lys)

Gene: CWC27 (CWC27 spliceosome associated cyclophilin; plus strand). Cytogenetic location: 5q12.3.
Variant type: single nucleotide variant.
Coding change: c.1412G>A on transcript NM_005869.4 (MANE Select); coding-DNA position 1412, G replaced by A.
Protein change: p.Arg471Lys; replaces arginine 471 with lysine.
Molecular consequence: missense variant. On other transcripts: 3 prime UTR variant (1).
Genome position (GRCh38, 1-based): chr5:65,018,314, G>A. VCF-style: chr5-65018314-G-A. GRCh37 (hg19) VCF-style: chr5-64314141-G-A.
Other names: c.1412G>A (NM_005869.2); c.*132G>A (NM_001297644.1); short protein forms R471K.
Identifiers: ClinVar variation 837915 (VCV000837915.9), dbSNP rs779259350, ClinGen allele CA3282298.